The following is an entry in ClinVar:

ClinVar aggregate classification (germline): Uncertain significance. Review status: criteria provided, multiple submitters, no conflicts (2 of 4 stars). 2 submissions from 2 submitters: Uncertain significance (2). Last evaluated 2025-04-02.

Conditions:
Inborn genetic diseases. Identifiers: MedGen C0950123, MeSH D030342.

Allele frequency attached by ClinVar (database versions not stated): gnomAD exomes below 0.00001 and 0.00001; ExAC 0.00001; gnomAD 0.00001; TOPMed 0.00001.
gnomAD v4.1: 8 of 1,614,114 alleles (0.0005%); highest among the groups gnomAD compares: South Asian, 0.0066%; no homozygotes.

Submissions (2):

Labcorp Genetics (formerly Invitae), Labcorp
Classification: Uncertain significance. Last evaluated: 2025-04-02. Review status: criteria provided, single submitter. Criteria: Invitae Variant Classification Sherloc (09022015). Collection method: clinical testing. Allele origin: germline.
Comment: This sequence change replaces aspartic acid, which is acidic and polar, with glycine, which is neutral and non-polar, at codon 1962 of the ARID1B protein (p.Asp1962Gly). This variant is present in population databases (rs757294414, gnomAD 0.006%). This missense change has been observed in individual(s) with ARID1B-related conditions (PMID: 37500730). ClinVar contains an entry for this variant (Variation ID: 589509). Invitae Evidence Modeling of protein sequence and biophysical properties (such as structural, functional, and spatial information, amino acid conservation, physicochemical variation, residue mobility, and thermodynamic stability) has been performed for this missense variant. However, the output from this modeling did not meet the statistical confidence thresholds required to predict the impact of this variant on ARID1B protein function. In summary, the available evidence is currently insufficient to determine the role of this variant in disease. Therefore, it has been classified as a Variant of Uncertain Significance.

Ambry Genetics
Classification: Uncertain significance for Inborn genetic diseases. Last evaluated: 2017-01-25. Review status: criteria provided, single submitter. Criteria: Ambry Variant Classification Scheme 2023. Collection method: clinical testing. Allele origin: germline.
Comment: The p.D1962G variant (also known as c.5885A>G), located in coding exon 20 of the ARID1B gene, results from an A to G substitution at nucleotide position 5885. The aspartic acid at codon 1962 is replaced by glycine, an amino acid with similar properties. This amino acid position is highly conserved in available vertebrate species. In addition, this alteration is predicted to be deleterious by in silico analysis. Since supporting evidence is limited at this time, the clinical significance of this variant remains unclear.

Literature cited by the submitters: PubMed 37500730 (cited by Labcorp Genetics (formerly Invitae), Labcorp).

NM_001374828.1(ARID1B):c.6254A>G (p.Asp2085Gly)

Gene: ARID1B (AT-rich interaction domain 1B; plus strand). Cytogenetic location: 6q25.3.
Variant type: single nucleotide variant.
Coding change: c.6254A>G on transcript NM_001374828.1 (MANE Select); coding-DNA position 6254, A replaced by G.
Protein change: p.Asp2085Gly; replaces aspartic acid 2085 with glycine.
Molecular consequence: missense variant.
Genome position (GRCh38, 1-based): chr6:157,207,026, A>G. VCF-style: chr6-157207026-A-G. GRCh37 (hg19) VCF-style: chr6-157528160-A-G.
Other names: c.3755A>G, p.Asp1252Gly (NM_001363725.2); c.6134A>G, p.Asp2045Gly (NM_001371656.1, NM_001374820.1); c.6095A>G, p.Asp2032Gly (NM_017519.3); c.5885A>G, p.Asp1962Gly (NM_020732.3); short protein forms D1962G, D1252G, D2032G, D2045G, D2085G.
Identifiers: ClinVar variation 589509 (VCV000589509.6), dbSNP rs757294414, ClinGen allele CA4067975.